The following is an entry in ClinVar:

ClinVar aggregate classification (germline): Likely pathogenic (1 of 4 stars; one submission).

Submission:

Labcorp Genetics (formerly Invitae), Labcorp
Classification: Likely pathogenic. Last evaluated: 2022-10-10. Review status: criteria provided, single submitter. Criteria: Invitae Variant Classification Sherloc (09022015). Collection method: clinical testing. Allele origin: germline.
Comment: In summary, the currently available evidence indicates that the variant is pathogenic, but additional data are needed to prove that conclusively. Therefore, this variant has been classified as Likely Pathogenic. This variant disrupts the p.Cys63 amino acid residue in UMOD. Other variant(s) that disrupt this residue have been observed in individuals with UMOD-related conditions (PMID: 23826568, 24577984, 32450155), which suggests that this may be a clinically significant amino acid residue. Advanced modeling of protein sequence and biophysical properties (such as structural, functional, and spatial information, amino acid conservation, physicochemical variation, residue mobility, and thermodynamic stability) performed at Invitae indicates that this missense variant is expected to disrupt UMOD protein function. This variant has not been reported in the literature in individuals affected with UMOD-related conditions. This variant is not present in population databases (gnomAD no frequency). This sequence change replaces cysteine, which is neutral and slightly polar, with phenylalanine, which is neutral and non-polar, at codon 63 of the UMOD protein (p.Cys63Phe).

Literature cited by the submitters: PubMed 23826568; PubMed 24577984; PubMed 32450155.

NM_003361.4(UMOD):c.188G>T (p.Cys63Phe)

Gene: UMOD (uromodulin; minus strand). Cytogenetic location: 16p12.3.
Variant type: single nucleotide variant.
Coding change: c.188G>T on transcript NM_003361.4 (MANE Select); coding-DNA position 188, G replaced by T.
Protein change: p.Cys63Phe; replaces cysteine 63 with phenylalanine.
Molecular consequence: missense variant. On other transcripts: non-coding transcript variant (1).
Genome position (GRCh38, 1-based): chr16:20,349,113, C>A on the plus strand (G>T on the coding strand, the complement: UMOD is on the minus strand). VCF-style: chr16-20349113-C-A. GRCh37 (hg19) VCF-style: chr16-20360435-C-A.
Other names: c.188G>T, p.Cys63Phe (NM_001008389.3, NM_001378232.1, NM_001378233.1 and 3 more transcripts); c.287G>T, p.Cys96Phe (NM_001278614.2); short protein forms C96F, C63F.
Identifiers: ClinVar variation 2135564 (VCV002135564.4), dbSNP rs2507390949, ClinGen allele CA394987561.